The following is an entry in ClinVar:

NM_014804.3(KIAA0753):c.2234G>A (p.Cys745Tyr)

Gene: KIAA0753 (KIAA0753; minus strand). Cytogenetic location: 17p13.1.
Variant type: single nucleotide variant.
Coding change: c.2234G>A on transcript NM_014804.3 (MANE Select); coding-DNA position 2234, G replaced by A.
Protein change: p.Cys745Tyr; replaces cysteine 745 with tyrosine.
Molecular consequence: missense variant. On other transcripts: non-coding transcript variant (3).
Genome position (GRCh38, 1-based): chr17:6,596,282, C>T on the plus strand (G>A on the coding strand, the complement: KIAA0753 is on the minus strand). VCF-style: chr17-6596282-C-T. GRCh37 (hg19) VCF-style: chr17-6499602-C-T.
Other names: c.1337G>A, p.Cys446Tyr (NM_001351225.2); short protein forms C446Y, C745Y.
Identifiers: ClinVar variation 1488842 (VCV001488842.8), dbSNP rs1969478040, ClinGen allele CA397405766.

ClinVar aggregate classification (germline): Uncertain significance (1 of 4 stars; one submission).

Allele frequency attached by ClinVar (database versions not stated): gnomAD exomes below 0.00001; gnomAD 0.00001.
gnomAD v4.1: 1 of 1,490,852 alleles (0.000067%); highest among the groups gnomAD compares: African/African-American, 0.0014%; no homozygotes.

Submission:

Labcorp Genetics (formerly Invitae), Labcorp
Classification: Uncertain significance. Last evaluated: 2024-10-08. Review status: criteria provided, single submitter. Criteria: Invitae Variant Classification Sherloc (09022015). Collection method: clinical testing. Allele origin: germline.
Comment: This sequence change replaces cysteine, which is neutral and slightly polar, with tyrosine, which is neutral and polar, at codon 745 of the KIAA0753 protein (p.Cys745Tyr). This variant is not present in population databases (gnomAD no frequency). This variant has not been reported in the literature in individuals affected with KIAA0753-related conditions. ClinVar contains an entry for this variant (Variation ID: 1488842). An algorithm developed to predict the effect of missense changes on protein structure and function (PolyPhen-2) suggests that this variant is likely to be tolerated. In summary, the available evidence is currently insufficient to determine the role of this variant in disease. Therefore, it has been classified as a Variant of Uncertain Significance.